The following is an entry in ClinVar:

NM_015909.4(NBAS):c.3305T>C (p.Met1102Thr)

Gene: NBAS (NBAS subunit of NRZ tethering complex; minus strand). Cytogenetic location: 2p24.3.
Variant type: single nucleotide variant.
Coding change: c.3305T>C on transcript NM_015909.4 (MANE Select); coding-DNA position 3305, T replaced by C.
Protein change: p.Met1102Thr; replaces methionine 1102 with threonine.
Molecular consequence: missense variant. On other transcripts: non-coding transcript variant (1).
Genome position (GRCh38, 1-based): chr2:15,383,270, A>G on the plus strand (T>C on the coding strand, the complement: NBAS is on the minus strand). VCF-style: chr2-15383270-A-G. GRCh37 (hg19) VCF-style: chr2-15523394-A-G.
Other names: c.3305T>C (NM_015909.2); short protein forms M1102T.
Identifiers: ClinVar variation 1412243 (VCV001412243.5), dbSNP rs576296962, ClinGen allele CA1536069.

ClinVar aggregate classification (germline): Uncertain significance. Review status: criteria provided, multiple submitters, no conflicts (2 of 4 stars). 2 submissions from 2 submitters: Uncertain significance (2). Last evaluated 2025-10-01.

Conditions:
Inborn genetic diseases. Identifiers: MedGen C0950123, MeSH D030342.

Allele frequency attached by ClinVar (database versions not stated): gnomAD exomes 0.00001 and below 0.00001; ExAC 0.00001; TOPMed 0.00002; 1000 Genomes Project 0.00040; 1000 Genomes Project 30x 0.00047; gnomAD 0.00001.

Submissions (2):

Ambry Genetics
Classification: Uncertain significance for Inborn genetic diseases. Last evaluated: 2025-10-01. Review status: criteria provided, single submitter. Criteria: Ambry Variant Classification Scheme 2023. Collection method: clinical testing. Allele origin: germline.

Labcorp Genetics (formerly Invitae), Labcorp
Classification: Uncertain significance. Last evaluated: 2025-02-03. Review status: criteria provided, single submitter. Criteria: Invitae Variant Classification Sherloc (09022015). Collection method: clinical testing. Allele origin: germline.
Comment: This sequence change replaces methionine, which is neutral and non-polar, with threonine, which is neutral and polar, at codon 1102 of the NBAS protein (p.Met1102Thr). This variant is present in population databases (rs576296962, gnomAD 0.003%). This variant has not been reported in the literature in individuals affected with NBAS-related conditions. ClinVar contains an entry for this variant (Variation ID: 1412243). Invitae Evidence Modeling of protein sequence and biophysical properties (such as structural, functional, and spatial information, amino acid conservation, physicochemical variation, residue mobility, and thermodynamic stability) has been performed for this missense variant. However, the output from this modeling did not meet the statistical confidence thresholds required to predict the impact of this variant on NBAS protein function. In summary, the available evidence is currently insufficient to determine the role of this variant in disease. Therefore, it has been classified as a Variant of Uncertain Significance.